The following is an entry in ClinVar:

NM_006445.4(PRPF8):c.4041T>G (p.Asp1347Glu)

Gene: PRPF8 (pre-mRNA processing factor 8; minus strand). Cytogenetic location: 17p13.3.
Variant type: single nucleotide variant.
Coding change: c.4041T>G on transcript NM_006445.4 (MANE Select); coding-DNA position 4041, T replaced by G.
Protein change: p.Asp1347Glu; replaces aspartic acid 1347 with glutamic acid.
Molecular consequence: missense variant.
Genome position (GRCh38, 1-based): chr17:1,661,772, A>C on the plus strand (T>G on the coding strand, the complement: PRPF8 is on the minus strand). VCF-style: chr17-1661772-A-C. GRCh37 (hg19) VCF-style: chr17-1565066-A-C.
Other names: short protein forms D1347E.
Identifiers: ClinVar variation 3343266 (VCV003343266.1).

ClinVar aggregate classification (germline): Uncertain significance (1 of 4 stars; one submission).

Submission:

GeneDx
Classification: Uncertain significance. Last evaluated: 2023-05-05. Review status: criteria provided, single submitter. Criteria: GeneDx Variant Classification Process June 2021. Collection method: clinical testing. Allele origin: germline. Affected: yes.
Comment: Not observed at significant frequency in large population cohorts (gnomAD); In silico analysis supports that this missense variant has a deleterious effect on protein structure/function; Has not been previously published as pathogenic or benign to our knowledge